The following is an entry in ClinVar:

ClinVar aggregate classification (germline): Conflicting classifications of pathogenicity. Review status: criteria provided, conflicting classifications (1 of 4 stars). 3 submissions from 3 submitters: Likely pathogenic (1); Uncertain significance (1). 1 of the submissions does not count toward it. Last evaluated 2023-08-30.

Conditions:
3-methylcrotonyl-CoA carboxylase 1 deficiency (MCC1D). Also called: MCC 1 deficiency; 3 Alpha methylcrotonylglycinuria 1; MCCD TYPE 1; METHYLCROTONYLGLYCINURIA TYPE I. Identifiers: Orphanet 6, MedGen CN028786, MONDO:0008861, OMIM 210200.

Allele frequency attached by ClinVar (database versions not stated): gnomAD exomes below 0.00001; TOPMed below 0.00001; gnomAD 0.00002.
gnomAD v4.1: 6 of 1,614,054 alleles (0.00037%); highest among the groups gnomAD compares: South Asian, 0.0011%; no homozygotes.

Submissions (3):

Labcorp Genetics (formerly Invitae), Labcorp
Classification: Uncertain significance for 3-methylcrotonyl-CoA carboxylase 1 deficiency. Last evaluated: 2023-08-30. Review status: criteria provided, single submitter. Criteria: Invitae Variant Classification Sherloc (09022015). Collection method: clinical testing. Allele origin: germline.
Comment: In summary, the available evidence is currently insufficient to determine the role of this variant in disease. Therefore, it has been classified as a Variant of Uncertain Significance. Advanced modeling of protein sequence and biophysical properties (such as structural, functional, and spatial information, amino acid conservation, physicochemical variation, residue mobility, and thermodynamic stability) performed at Invitae indicates that this missense variant is expected to disrupt MCCC1 protein function. ClinVar contains an entry for this variant (Variation ID: 203801). This missense change has been observed in individuals with clinical features of 3-methylcrotonyl-CoA carboxylase deficiency (PMID: 31730530; Invitae). This variant is present in population databases (rs796051987, gnomAD 0.007%). This sequence change replaces isoleucine, which is neutral and non-polar, with threonine, which is neutral and polar, at codon 54 of the MCCC1 protein (p.Ile54Thr).

Juno Genomics, Hangzhou Juno Genomics, Inc
Classification: Likely pathogenic for 3-methylcrotonyl-CoA carboxylase 1 deficiency. Review status: criteria provided, single submitter. Criteria: ACMG Guidelines, 2015. Collection method: clinical testing. Allele origin: germline.
Comment: Absent from controls (or at extremely low frequency if recessive) in Genome Aggregation Database.;Multiple lines of computational evidence support a deleterious effect on the gene or gene product.;For recessive disorders, detected in trans with a pathogenic variant.;Patient's phenotype or family history is highly specific for a disease with a single genetic etiology.

Natera, Inc.
Classification: Uncertain significance for 3-methylcrotonyl-CoA carboxylase 1 deficiency. Last evaluated: 2020-05-26. Review status: no assertion criteria provided. Collection method: clinical testing. Allele origin: germline. Not counted in ClinVar's aggregate classification.

Literature cited by the submitters: PubMed 31730530 (cited by Labcorp Genetics (formerly Invitae), Labcorp).

NM_020166.5(MCCC1):c.161T>C (p.Ile54Thr)

Gene: MCCC1 (methylcrotonyl-CoA carboxylase subunit 1; minus strand). Cytogenetic location: 3q27.1.
Variant type: single nucleotide variant.
Coding change: c.161T>C on transcript NM_020166.5 (MANE Select); coding-DNA position 161, T replaced by C.
Protein change: p.Ile54Thr; replaces isoleucine 54 with threonine.
Molecular consequence: missense variant. On other transcripts: non-coding transcript variant (1), intron variant (2).
Genome position (GRCh38, 1-based): chr3:183,092,521, A>G on the plus strand (T>C on the coding strand, the complement: MCCC1 is on the minus strand). VCF-style: chr3-183092521-A-G. GRCh37 (hg19) VCF-style: chr3-182810309-A-G.
Other names: c.-55+2038T>C (NM_001363880.1); c.44+2038T>C (NM_001293273.2); short protein forms I54T.
Identifiers: ClinVar variation 203801 (VCV000203801.13), dbSNP rs796051987, ClinGen allele CA312683.
Genomic context (GRCh38, chr3:183,092,521, plus strand): 5'-TGTACACCCAGTTTTTTGGCTGTGCGCATCACCCTGCAGGCAATTTCTCCTCTGTTTGCA[A>G]TGAGGACCTTGGTAATGTTTCTTCCTGTTTAAAACACCATGAAAATCACACAGAAATGTT-3'
Protein context (NP_064551.3, residues 44-64): ATGRNITKVL[Ile54Thr]ANRGEIACRV